The following is an entry in ClinVar:

NM_001278431.2(C1QTNF5):c.262C>A (p.Pro88Thr)

Genes: C1QTNF5 (C1q and TNF related 5; minus strand), MFRP (membrane frizzled-related protein; minus strand). Cytogenetic location: 11q23.3.
Variant type: single nucleotide variant.
Coding change: c.262C>A on transcript NM_001278431.2 (MANE Select); coding-DNA position 262, C replaced by A.
Protein change: p.Pro88Thr; replaces proline 88 with threonine.
Molecular consequence: missense variant. On other transcripts: 3 prime UTR variant (1).
Genome position (GRCh38, 1-based): chr11:119,339,801, G>T on the plus strand (C>A on the coding strand, the complement: C1QTNF5 is on the minus strand). VCF-style: chr11-119339801-G-T. GRCh37 (hg19) VCF-style: chr11-119210511-G-T.
Other names: c.262C>A, p.Pro88Thr (NM_015645.5); c.*1158C>A (NM_031433.4); short protein forms P88T.
Identifiers: ClinVar variation 1901374 (VCV001901374.6), dbSNP rs996161591, ClinGen allele CA229674754.

ClinVar aggregate classification (germline): Uncertain significance. Review status: criteria provided, multiple submitters, no conflicts (2 of 4 stars). 2 submissions from 2 submitters: Uncertain significance (2). Last evaluated 2025-05-02.

Allele frequency attached by ClinVar (database versions not stated): TOPMed 0.00001.
gnomAD v4.1: 2 of 1,506,518 alleles (0.00013%); no homozygotes.

Submissions (2):

Labcorp Genetics (formerly Invitae), Labcorp
Classification: Uncertain significance. Last evaluated: 2025-05-02. Review status: criteria provided, single submitter. Criteria: Invitae Variant Classification Sherloc (09022015). Collection method: clinical testing. Allele origin: germline.
Comment: This sequence change replaces proline, which is neutral and non-polar, with threonine, which is neutral and polar, at codon 88 of the C1QTNF5 protein (p.Pro88Thr). This variant is present in population databases (no rsID available, gnomAD no frequency). This variant has not been reported in the literature in individuals affected with C1QTNF5-related conditions. ClinVar contains an entry for this variant (Variation ID: 1901374). An algorithm developed to predict the effect of missense changes on protein structure and function (PolyPhen-2) suggests that this variant is likely to be tolerated. In summary, the available evidence is currently insufficient to determine the role of this variant in disease. Therefore, it has been classified as a Variant of Uncertain Significance.

Blueprint Genetics
Classification: Uncertain significance. Last evaluated: 2019-12-10. Review status: criteria provided, single submitter. Criteria: ACMG Guidelines, 2015. Collection method: clinical testing. Allele origin: germline.